The following is an entry in ClinVar:

NM_033310.3(KCNK4):c.656T>G (p.Val219Gly)

Genes: KCNK4 (potassium two pore domain channel subfamily K member 4; plus strand), KCNK4-CATSPERZ (KCNK4-CATSPERZ readthrough (NMD candidate); plus strand). Cytogenetic location: 11q13.1.
Variant type: single nucleotide variant.
Coding change: c.656T>G on transcript NM_033310.3 (MANE Select); coding-DNA position 656, T replaced by G.
Protein change: p.Val219Gly; replaces valine 219 with glycine.
Molecular consequence: missense variant. On other transcripts: non-coding transcript variant (3).
Genome position (GRCh38, 1-based): chr11:64,297,648, T>G. VCF-style: chr11-64297648-T-G. GRCh37 (hg19) VCF-style: chr11-64065120-T-G.
Other names: c.656T>G, p.Val219Gly (NM_001317090.2); c.656T>G (NM_033310.2); short protein forms V219G.
Identifiers: ClinVar variation 1433111 (VCV001433111.8), dbSNP rs2135232745, ClinGen allele CA381166904.
Genomic context (GRCh38, chr11:64,297,648, plus strand): 5'-AGCTGGAGGCCATCTACTTTGTCATAGTGACGCTTACCACCGTGGGCTTTGGCGACTATG[T>G]GGCCGGTGAGGCCGCCCTTCTTGTGCTGCACTTTCCCATCTACTTTATTCCTGATCAGGG-3'
Protein context (NP_201567.1, residues 209-229): TLTTVGFGDY[Val219Gly]AGADPRQDSP

ClinVar aggregate classification (germline): Conflicting classifications of pathogenicity. Review status: criteria provided, conflicting classifications (1 of 4 stars). 2 submissions from 2 submitters: Uncertain significance (1); Likely benign (1). Last evaluated 2024-10-23.

Submissions (2):

Labcorp Genetics (formerly Invitae), Labcorp
Classification: Likely benign. Last evaluated: 2024-10-23. Review status: criteria provided, single submitter. Criteria: Invitae Variant Classification Sherloc (09022015). Collection method: clinical testing. Allele origin: germline.

GeneDx
Classification: Uncertain significance. Last evaluated: 2023-02-15. Review status: criteria provided, single submitter. Criteria: GeneDx Variant Classification Process June 2021. Collection method: clinical testing. Allele origin: germline. Affected: yes.
Comment: Not observed at significant frequency in large population cohorts (gnomAD); In silico analysis supports that this missense variant has a deleterious effect on protein structure/function; Has not been previously published as pathogenic or benign to our knowledge